The following is an entry in ClinVar:

ClinVar aggregate classification (germline): Pathogenic/Likely pathogenic. Review status: criteria provided, multiple submitters, no conflicts (2 of 4 stars). 4 submissions from 4 submitters: Pathogenic (2); Likely pathogenic (1). 1 of the submissions does not count toward it. Last evaluated 2025-12-30.

Conditions:
KBG syndrome (KBGS). Also called: ANKRD11-Related KBG Syndrome. Identifiers: Orphanet 2332, MedGen C0220687, MONDO:0007846, OMIM 148050.
Intellectual disability. Also called: Intellectual developmental disorder; Intellectual functioning disability; intellectual disabilities. Identifiers: MedGen C3714756, MeSH D008607, MONDO:0001071, HP:0001249.

Submissions (4):

GeneDx
Classification: Pathogenic. Last evaluated: 2025-12-30. Review status: criteria provided, single submitter. Criteria: GeneDx Variant Classification Process June 2021. Collection method: clinical testing. Allele origin: germline. Affected: yes.
Comment: Nonsense variant predicted to result in protein truncation or nonsense mediated decay in a gene for which loss of function is a known mechanism of disease; Not observed at significant frequency in large population cohorts (gnomAD); This variant is associated with the following publications: (PMID: 33057194, 35982159)

Victorian Clinical Genetics Services, Murdoch Childrens Research Institute
Classification: Pathogenic for KBG syndrome. Last evaluated: 2025-09-23. Review status: criteria provided, single submitter. Criteria: ACMG Guidelines, 2015. Collection method: clinical testing. Allele origin: germline. Affected: yes.
Comment: This variant is classified as Pathogenic. Evidence in support of pathogenic classification: Variant is predicted to cause nonsense-mediated decay (NMD) and loss of protein (premature termination codon is located at least 54 nucleotides upstream of the final exon-exon junction); Variant is absent from gnomAD (v2, v3 and v4); This variant has strong previous evidence of pathogenicity in unrelated individuals. This variant, and an alternative nucleotide substitution at the same position, have been classified as likely pathogenic/pathogenic by clinical laboratories in ClinVar, including two de novo occurrences; Other NMD-predicted variant(s) comparable to the one identified in this case have very strong previous evidence for pathogenicity (DECIPHER); Additional information: This variant is heterozygous; This gene is associated with autosomal dominant disease; Loss of function is a known mechanism of disease in this gene and is associated with KBG syndrome (MIM#148050); Variants in this gene are known to have variable expressivity. Intrafamilial variability is commonly reported (PMID: 29258554).

Equipe Genetique des Anomalies du Developpement, Université de Bourgogne
Classification: Likely pathogenic for KBG syndrome. Last evaluated: 2015-01-01. Review status: criteria provided, single submitter. Criteria: ACMG Guidelines, 2007. Collection method: clinical testing. Allele origin: de novo. Affected: yes.

Diagnostic Laboratory, Strasbourg University Hospital
Classification: Pathogenic for Intellectual disability. Last evaluated: 2016-12-01. Review status: no assertion criteria provided. Collection method: clinical testing. Allele origin: de novo. Affected: yes. Observed: 1 heterozygote. Not counted in ClinVar's aggregate classification.

Literature cited by the submitters: PubMed 29258554 (cited by Victorian Clinical Genetics Services, Murdoch Childrens Research Institute).

NM_013275.6(ANKRD11):c.3084C>A (p.Tyr1028Ter)

Gene: ANKRD11 (ankyrin repeat domain 11; minus strand). Cytogenetic location: 16q24.3.
Variant type: single nucleotide variant.
Coding change: c.3084C>A on transcript NM_013275.6 (MANE Select); coding-DNA position 3084, C replaced by A.
Protein change: p.Tyr1028Ter; replaces tyrosine 1028 with a stop codon.
Molecular consequence: nonsense.
Genome position (GRCh38, 1-based): chr16:89,283,458, G>T on the plus strand (C>A on the coding strand, the complement: ANKRD11 is on the minus strand). VCF-style: chr16-89283458-G-T. GRCh37 (hg19) VCF-style: chr16-89349866-G-T.
Other names: c.3084C>A, p.Tyr1028Ter (NM_001256182.2, NM_001256183.2); short protein forms Y1028*.
Identifiers: ClinVar variation 418939 (VCV000418939.9), dbSNP rs1064793539, ClinGen allele CA16620308.